The following is an entry in ClinVar:

NM_001127198.5(TMC6):c.1083-4C>G

Gene: TMC6 (transmembrane channel like 6; minus strand). Cytogenetic location: 17q25.3.
Variant type: single nucleotide variant.
Coding change: c.1083-4C>G on transcript NM_001127198.5 (MANE Select); 4 bases into the intron before coding-DNA position 1083, C replaced by G.
Molecular consequence: intron variant.
Genome position (GRCh38, 1-based): chr17:78,122,753, G>C on the plus strand (C>G on the coding strand, the complement: TMC6 is on the minus strand). VCF-style: chr17-78122753-G-C. GRCh37 (hg19) VCF-style: chr17-76118834-G-C.
Other names: c.1083-4C>G (NM_001374594.1, NM_001374596.1, NM_001374593.1 and 4 more transcripts).
Identifiers: ClinVar variation 1166986 (VCV001166986.14), dbSNP rs2057188, ClinGen allele CA8795875.

ClinVar aggregate classification (germline): Benign. Review status: criteria provided, multiple submitters, no conflicts (2 of 4 stars). 5 submissions from 5 submitters: Benign (5). Last evaluated 2026-02-04.

Conditions:
Epidermodysplasia verruciformis. Identifiers: Orphanet 302, MedGen C0014522, MONDO:0009176.

Allele frequency attached by ClinVar (database versions not stated): TOPMed 0.07756; ESP Exome Variant Server 0.07888; gnomAD 0.07968; 1000 Genomes Project 30x 0.08510; 1000 Genomes Project 0.08586; gnomAD exomes 0.09221; ExAC 0.10182.
gnomAD v4.1: 155,278 of 1,608,278 alleles (9.7%); highest among the groups gnomAD compares: South Asian, 10%; 7,883 homozygotes.

Submissions (5):

Labcorp Genetics (formerly Invitae), Labcorp
Classification: Benign for Epidermodysplasia verruciformis. Last evaluated: 2026-02-04. Review status: criteria provided, single submitter. Criteria: Invitae Variant Classification Sherloc (09022015). Collection method: clinical testing. Allele origin: germline.

Blueprint Genetics
Classification: Benign. Last evaluated: 2024-11-27. Review status: criteria provided, single submitter. Criteria: ACMG Guidelines, 2015. Collection method: clinical testing. Allele origin: germline.

Unidad de Genómica Garrahan, Hospital de Pediatría Garrahan
Classification: Benign. Last evaluated: 2024-01-24. Review status: criteria provided, single submitter. Criteria: ACMG Guidelines, 2015. Collection method: clinical testing. Allele origin: germline. Affected: no. Observed: 18 variant alleles.
Comment: This variant is classified as Benign based on local population frequency. This variant was detected in 20% of patients studied by a panel of primary immunodeficiencies. Number of patients: 18. Only high quality variants are reported.

GeneDx
Classification: Benign. Last evaluated: 2018-07-09. Review status: criteria provided, single submitter. Criteria: GeneDx Variant Classification Process June 2021. Collection method: clinical testing. Allele origin: germline. Affected: yes.

Breakthrough Genomics
Classification: Benign. Review status: criteria provided, single submitter. Criteria: ACMG Guidelines, 2015. Collection method: not provided. Allele origin: germline. Inheritance: Autosomal recessive inheritance. Affected: yes.